The following is an entry in ClinVar:

ClinVar aggregate classification (germline): Likely benign. Review status: criteria provided, single submitter (1 of 4 stars). 2 submissions from 2 submitters: Likely benign (1). 1 of the submissions does not count toward it. Last evaluated 2025-06-23.

Conditions:
Primary immunodeficiency with post-measles-mumps-rubella vaccine viral infection. Also called: Immunodeficiency 44. Identifiers: Orphanet 431166, MedGen C4225260, MONDO:0014715, OMIM 616636.
STAT2-related disorder. Also called: STAT2-related condition.

Allele frequency attached by ClinVar (database versions not stated): gnomAD exomes 0.00001; ExAC 0.00002; gnomAD 0.00005 and 0.00006; TOPMed 0.00005.
gnomAD v4.1: 24 of 1,613,866 alleles (0.0015%); highest among the groups gnomAD compares: African/African-American, 0.017%; no homozygotes.

Submissions (2):

Labcorp Genetics (formerly Invitae), Labcorp
Classification: Likely benign for Primary immunodeficiency with post-measles-mumps-rubella vaccine viral infection. Last evaluated: 2025-06-23. Review status: criteria provided, single submitter. Criteria: Invitae Variant Classification Sherloc (09022015). Collection method: clinical testing. Allele origin: germline.

PreventionGenetics, part of Exact Sciences
Classification: Likely benign for STAT2-related condition. Last evaluated: 2020-04-20. Review status: no assertion criteria provided. Collection method: clinical testing. Allele origin: germline. Not counted in ClinVar's aggregate classification.
Comment: This variant is classified as likely benign based on ACMG/AMP sequence variant interpretation guidelines (Richards et al. 2015 PMID: 25741868, with internal and published modifications).

NM_005419.4(STAT2):c.2536T>C (p.Leu846=)

Gene: STAT2 (signal transducer and activator of transcription 2; minus strand). Cytogenetic location: 12q13.3.
Variant type: single nucleotide variant.
Coding change: c.2536T>C on transcript NM_005419.4 (MANE Select); coding-DNA position 2536, T replaced by C.
Protein change: p.Leu846=; no amino-acid change (leucine 846 retained).
Molecular consequence: synonymous variant. On other transcripts: 3 prime UTR variant (1).
Genome position (GRCh38, 1-based): chr12:56,343,409, A>G on the plus strand (T>C on the coding strand, the complement: STAT2 is on the minus strand). VCF-style: chr12-56343409-A-G. GRCh37 (hg19) VCF-style: chr12-56737193-A-G.
Other names: c.2536T>C (NM_005419.3); c.2503T>C, p.Leu835= (NM_001385110.1); c.2437T>C, p.Leu813= (NM_001385111.1); c.*105T>C (NM_001385113.1); c.2515T>C, p.Leu839= (NM_001385114.1); c.2494T>C, p.Leu832= (NM_001385115.1); c.2524T>C, p.Leu842= (NM_198332.2).
Identifiers: ClinVar variation 1635496 (VCV001635496.10), dbSNP rs760480590, ClinGen allele CA6630226.